The following is an entry in ClinVar:

NM_004360.5(CDH1):c.1707C>A (p.Asp569Glu)

Gene: CDH1 (cadherin 1; plus strand). Cytogenetic location: 16q22.1.
Variant type: single nucleotide variant.
Coding change: c.1707C>A on transcript NM_004360.5 (MANE Select); coding-DNA position 1707, C replaced by A.
Protein change: p.Asp569Glu; replaces aspartic acid 569 with glutamic acid.
Molecular consequence: missense variant. On other transcripts: intron variant (1).
Genome position (GRCh38, 1-based): chr16:68,819,421, C>A. VCF-style: chr16-68819421-C-A. GRCh37 (hg19) VCF-style: chr16-68853324-C-A.
Other names: c.1707C>A (LRG_301t1); c.1524C>A, p.Asp508Glu (NM_001317184.2); c.159C>A, p.Asp53Glu (NM_001317185.2); c.-254-2580C>A (NM_001317186.2); short protein forms D569E, D53E, D508E.
Identifiers: ClinVar variation 234181 (VCV000234181.24), dbSNP rs876660905, ClinGen allele CA10580129.

ClinVar aggregate classification (germline): Uncertain significance. Review status: criteria provided, multiple submitters, no conflicts (2 of 4 stars). 5 submissions from 5 submitters: Uncertain significance (5). Last evaluated 2025-10-30.

Conditions:
Hereditary cancer-predisposing syndrome. Also called: Tumor predisposition; Hereditary Cancer Syndrome; Hereditary neoplastic syndrome; Neoplastic Syndromes, Hereditary. Identifiers: Orphanet 140162, MedGen C0027672, MeSH D009386, MONDO:0015356.
Hereditary diffuse gastric adenocarcinoma (HDGC). Also called: DIFFUSE GASTRIC AND LOBULAR BREAST CANCER SYNDROME. Identifiers: Orphanet 26106, MedGen C1708349, MONDO:0007648, OMIM 137215.
Familial cancer of breast. Also called: hereditary breast carcinoma; BREAST CANCER, FAMILIAL; Hereditary breast cancer. Identifiers: Orphanet 227535, MedGen C0346153, MONDO:0016419, OMIM 114480. Disease mechanism: loss of function.

Allele frequency attached by ClinVar (database versions not stated): gnomAD exomes 0.00001 and below 0.00001.
gnomAD v4.1: 5 of 1,613,414 alleles (0.00031%); highest among the groups gnomAD compares: East Asian, 0.011%; no homozygotes.

Submissions (5):

Ambry Genetics
Classification: Uncertain significance for Hereditary cancer-predisposing syndrome. Last evaluated: 2025-10-30. Review status: criteria provided, single submitter. Criteria: Ambry Variant Classification Scheme 2023. Collection method: clinical testing. Allele origin: germline.
Comment: The p.D569E variant (also known as c.1707C>A), located in coding exon 11 of the CDH1 gene, results from a C to A substitution at nucleotide position 1707. The aspartic acid at codon 569 is replaced by glutamic acid, an amino acid with highly similar properties. This amino acid position is highly conserved in available vertebrate species. In addition, this alteration is predicted to be deleterious by in silico analysis. Since supporting evidence is limited at this time, the clinical significance of this alteration remains unclear.

Labcorp Genetics (formerly Invitae), Labcorp
Classification: Uncertain significance for Hereditary diffuse gastric adenocarcinoma. Last evaluated: 2025-06-25. Review status: criteria provided, single submitter. Criteria: Invitae Variant Classification Sherloc (09022015). Collection method: clinical testing. Allele origin: germline.
Comment: This sequence change replaces aspartic acid, which is acidic and polar, with glutamic acid, which is acidic and polar, at codon 569 of the CDH1 protein (p.Asp569Glu). This variant is present in population databases (no rsID available, gnomAD 0.006%). This missense change has been observed in individual(s) with breast cancer (PMID: 30287823). ClinVar contains an entry for this variant (Variation ID: 234181). An algorithm developed to predict the effect of missense changes on protein structure and function (PolyPhen-2) suggests that this variant is likely to be disruptive. In summary, the available evidence is currently insufficient to determine the role of this variant in disease. Therefore, it has been classified as a Variant of Uncertain Significance.

Baylor Genetics
Classification: Uncertain significance for Familial cancer of breast. Last evaluated: 2023-12-05. Review status: criteria provided, single submitter. Criteria: ACMG Guidelines, 2015. Collection method: clinical testing. Allele origin: unknown.

Color Diagnostics, LLC DBA Color Health
Classification: Uncertain significance for Hereditary cancer-predisposing syndrome. Last evaluated: 2020-11-03. Review status: criteria provided, single submitter. Criteria: ACMG Guidelines, 2015. Collection method: clinical testing. Allele origin: germline.
Comment: This missense variant replaces aspartic acid with glutamic acid at codon 569 of the CDH1 protein. To our knowledge, functional studies have not been reported for this variant. This variant has not been reported in individuals affected with hereditary cancer in the literature. This variant has been identified in 1/251478 chromosomes in the general population by the Genome Aggregation Database (gnomAD). The available evidence is insufficient to determine the role of this variant in disease conclusively. Therefore, this variant is classified as a Variant of Uncertain Significance.

GeneDx
Classification: Uncertain significance. Last evaluated: 2016-11-03. Review status: criteria provided, single submitter. Criteria: GeneDx Variant Classification (06012015). Collection method: clinical testing. Allele origin: germline. Affected: yes.
Comment: This variant is denoted CDH1 c.1707C>A at the cDNA level, p.Asp569Glu (D569E) at the protein level, and results in the change of an Aspartic Acid to a Glutamic Acid (GAC>GAA). This variant has not, to our knowledge, been published in the literature as either a pathogenic germline variant or a benign polymorphism. However, it has been reported as a somatic variant in a head and neck tumor (Zhao 2015). CDH1 Asp569Glu was not observed in approximately 6,500 individuals of European and African American ancestry in the NHLBI Exome Sequencing Project, suggesting it is not a common benign variant in these populations. Since Aspartic Acid and Glutamic Acid share similar properties, this is considered a conservative amino acid substitution. CDH1 Asp569Glu occurs at a position that is conserved across species and is located in the Cadherin 4 Extracellular domain (Brooks-Wilson 2004, Figueiredo 2013). In silico analyses predict that this variant is probably damaging to protein structure and function. Based on currently available evidence, it is unclear whether CDH1 Asp569Glu is a pathogenic or benign variant. We consider it to be a variant of uncertain significance.

Literature cited by the submitters: PubMed 30287823 (cited by Labcorp Genetics (formerly Invitae), Labcorp).